The following is an entry in ClinVar:

NM_001099274.3(TINF2):c.1009G>A (p.Gly337Arg)

Gene: TINF2 (TERF1 interacting nuclear factor 2; minus strand). Cytogenetic location: 14q12.
Variant type: single nucleotide variant.
Coding change: c.1009G>A on transcript NM_001099274.3 (MANE Select); coding-DNA position 1009, G replaced by A.
Protein change: p.Gly337Arg; replaces glycine 337 with arginine.
Molecular consequence: missense variant.
Genome position (GRCh38, 1-based): chr14:24,240,471, C>T on the plus strand (G>A on the coding strand, the complement: TINF2 is on the minus strand). VCF-style: chr14-24240471-C-T. GRCh37 (hg19) VCF-style: chr14-24709677-C-T.
Other names: c.904G>A, p.Gly302Arg (NM_001363668.2); c.1009G>A, p.Gly337Arg (NM_012461.3); short protein forms G302R, G337R.
Identifiers: ClinVar variation 3600867 (VCV003600867.1).

ClinVar aggregate classification (germline): Uncertain significance (1 of 4 stars; one submission).

Submission:

GeneDx
Classification: Uncertain significance. Last evaluated: 2024-07-21. Review status: criteria provided, single submitter. Criteria: GeneDx Variant Classification Process June 2021. Collection method: clinical testing. Allele origin: germline. Affected: yes.
Comment: Not observed at significant frequency in large population cohorts (gnomAD); In silico analysis supports that this missense variant has a deleterious effect on protein structure/function; Has not been previously published as pathogenic or benign to our knowledge